The following is an entry in ClinVar:

ClinVar aggregate classification (germline): Likely pathogenic (1 of 4 stars; one submission).

Conditions:
Congenital lactic acidosis, Saguenay-Lac-Saint-Jean type (MC4DN5). Also called: MITOCHONDRIAL COMPLEX IV DEFICIENCY, NUCLEAR TYPE 5; CYTOCHROME c OXIDASE DEFICIENCY, FRENCH CANADIAN TYPE; COX DEFICIENCY, FRENCH CANADIAN TYPE. Identifiers: Orphanet 70472, MedGen C1857355, MONDO:0009069, OMIM 220111.

Submission:

Myriad Genetics, Inc.
Classification: Likely pathogenic for Congenital lactic acidosis, Saguenay-Lac-Saint-Jean type. Last evaluated: 2022-03-31. Review status: criteria provided, single submitter. Criteria: Myriad Women's Health Autosomal Recessive and X-Linked Classification Criteria (2021). Collection method: clinical testing. Allele origin: unknown.
Comment: NM_133259.3(LRPPRC):c.1165A>T(K389*) is expected to be pathogenic in the context of Leigh syndrome, French-Canadian type. This variant is predicted to lead to an abnormal or absent protein product due to the creation of a premature termination codon in LRPPRC, a gene where loss-of-function variants are known to be pathogenic. Please note: this variant was assessed in the context of healthy population screening.

NM_133259.4(LRPPRC):c.1165A>T (p.Lys389Ter)

Gene: LRPPRC (leucine rich pentatricopeptide repeat containing; minus strand). Cytogenetic location: 2p21.
Variant type: single nucleotide variant.
Coding change: c.1165A>T on transcript NM_133259.4 (MANE Select); coding-DNA position 1165, A replaced by T.
Protein change: p.Lys389Ter; replaces lysine 389 with a stop codon.
Molecular consequence: nonsense.
Genome position (GRCh38, 1-based): chr2:43,973,891, T>A on the plus strand (A>T on the coding strand, the complement: LRPPRC is on the minus strand). VCF-style: chr2-43973891-T-A. GRCh37 (hg19) VCF-style: chr2-44201030-T-A.
Other names: short protein forms K389*.
Identifiers: ClinVar variation 1725716 (VCV001725716.2), dbSNP rs769187343, ClinGen allele CA346672324.
Genomic context (GRCh38, chr2:43,973,891, plus strand): 5'-ACTGCAGAGGAAAGGAGTGCATCTGGACTTCCTTTAACTTCTTACAGTAGTCTGTTAGCT[T>A]CTCCACAGGCTGTGGGAAAAAAGTCACCACATTAGCTGGATTGGCAAACACCCCACCGTT-3'